The following is an entry in ClinVar:

NM_000264.5(PTCH1):c.3631_3634dup (p.Gly1212fs)

Gene: PTCH1 (patched 1; minus strand). Cytogenetic location: 9q22.32.
Variant type: Duplication.
Coding change: c.3631_3634dup on transcript NM_000264.5 (MANE Select); coding-DNA positions 3631 to 3634, 4 bases duplicated (CCCG; older notation c.3631_3634dupCCCG).
Protein change: p.Gly1212fs; shifts the reading frame from glycine 1212.
Molecular consequence: frameshift variant. On other transcripts: non-coding transcript variant (1).
Genome position (GRCh38, 1-based): chr9:95,449,239-95,449,242, CGGG duplicated on the plus strand (CCCG on the coding strand, the reverse complement: PTCH1 is on the minus strand); duplicating any 4 consecutive bases within chr9:95,449,239-95,449,245 gives the same sequence; the c. name uses the placement nearest the transcript's 3' end. VCF-style (leftmost placement, unchanged base first): chr9-95449238-C-CCGGG. GRCh37 (hg19) VCF-style: chr9-98211520-C-CCGGG.
Other names: c.3433_3436dup, p.Gly1146fs (NM_001083602.3); c.3628_3631dup, p.Gly1211fs (NM_001083603.3); c.3178_3181dup, p.Gly1061fs (NM_001083604.3, NM_001083605.3, NM_001083606.3 and 1 more transcripts); c.3475_3478dup, p.Gly1160fs (NM_001354918.2); short protein forms G1061fs, G1212fs, G1146fs, G1160fs, G1211fs.
Identifiers: ClinVar variation 3664316 (VCV003664316.2).
Genomic context (GRCh38, chr9:95,449,238, plus strand): 5'-GACACTGTCGTCTGGGAACTATACTCCGAGTCGGAGGAATCAGACCCGCTGTGCGTGTGG[C>CCGGG]CGGGCGGCATGGCGAAGCGGACCACGCTGGGGGGTGGCTCAGGGGAGGGTGTGGGCAGGC-3'

ClinVar aggregate classification (germline): Pathogenic (1 of 4 stars; one submission).

Conditions:
Gorlin syndrome. Also called: Nevoid Basal Cell Carcinoma Syndrome; Basal cell nevus syndrome. Identifiers: Orphanet 377, MedGen C0004779, MONDO:0007187.

Submission:

Labcorp Genetics (formerly Invitae), Labcorp
Classification: Pathogenic for Gorlin syndrome. Last evaluated: 2024-09-05. Review status: criteria provided, single submitter. Criteria: Invitae Variant Classification Sherloc (09022015). Collection method: clinical testing. Allele origin: germline.
Comment: This sequence change creates a premature translational stop signal (p.Gly1212Alafs*9) in the PTCH1 gene. It is expected to result in an absent or disrupted protein product. Loss-of-function variants in PTCH1 are known to be pathogenic (PMID: 16301862, 16419085). This variant is not present in population databases (gnomAD no frequency). This variant has not been reported in the literature in individuals affected with PTCH1-related conditions. For these reasons, this variant has been classified as Pathogenic.

Literature cited by the submitters: PubMed 16301862; PubMed 16419085.